The following is an entry in ClinVar:

NM_018344.6(SLC29A3):c.201dup (p.Trp68fs)

Gene: SLC29A3 (solute carrier family 29 member 3; plus strand). Cytogenetic location: 10q22.1.
Variant type: Duplication.
Coding change: c.201dup on transcript NM_018344.6 (MANE Select); coding-DNA position 201, one base duplicated (A; older notation c.201dupA).
Protein change: p.Trp68fs; shifts the reading frame from tryptophan 68.
Molecular consequence: frameshift variant. On other transcripts: 5 prime UTR variant (1), non-coding transcript variant (2).
Genome position (GRCh38, 1-based): chr10:71,322,955, A duplicated. VCF-style (leftmost placement, unchanged base first): chr10-71322954-C-CA. GRCh37 (hg19) VCF-style: chr10-73082711-C-CA.
Other names: c.201dup, p.Trp68fs (NM_001174098.2); c.-34dup (NM_001363518.2); short protein forms W68fs.
Identifiers: ClinVar variation 4797550 (VCV004797550.1).

ClinVar aggregate classification (germline): Pathogenic (1 of 4 stars; one submission).

Conditions:
H syndrome. Also called: HISTIOCYTOSIS AND LYMPHADENOPATHY WITH OR WITHOUT CUTANEOUS, CARDIAC, AND/OR ENDOCRINE FEATURES, JOINT CONTRACTURES, AND/OR DEAFNESS; HYPERPIGMENTATION, CUTANEOUS, WITH HYPERTRICHOSIS, HEPATOSPLENOMEGALY, HEART ANOMALIES, AND HYPOGONADISM WITH OR WITHOUT HEARING LOSS; PIGMENTED HYPERTRICHOSIS WITH INSULIN-DEPENDENT DIABETES MELLITUS; ROSAI-DORFMAN DISEASE, FAMILIAL; SINUS HISTIOCYTOSIS AND MASSIVE LYMPHADENOPATHY; Hyperpigmentation, Cutaneous, with Hypertrichosis, Hepatosplenomegaly, Heart Anomalies, Hearing Loss, and Hypogonadism. Identifiers: Orphanet 168569, MedGen C1864445, MONDO:0011273, OMIM 602782.

Submission:

Labcorp Genetics (formerly Invitae), Labcorp
Classification: Pathogenic for H syndrome. Last evaluated: 2025-10-06. Review status: criteria provided, single submitter. Criteria: Invitae Variant Classification Sherloc (09022015). Collection method: clinical testing. Allele origin: germline.
Comment: This sequence change creates a premature translational stop signal (p.Trp68Metfs*28) in the SLC29A3 gene. It is expected to result in an absent or disrupted protein product. Loss-of-function variants in SLC29A3 are known to be pathogenic (PMID: 19336477, 20595384, 23406517, 25963354). This variant is not present in population databases (gnomAD no frequency). This variant has not been reported in the literature in individuals affected with SLC29A3-related conditions. For these reasons, this variant has been classified as Pathogenic.

Literature cited by the submitters: PubMed 19336477; PubMed 20595384; PubMed 23406517; PubMed 25963354.